The following is an entry in ClinVar:

NM_007294.4(BRCA1):c.2345G>T (p.Ser782Ile)

Gene: BRCA1 (BRCA1 DNA repair associated; minus strand). Cytogenetic location: 17q21.31.
Variant type: single nucleotide variant.
Coding change: c.2345G>T on transcript NM_007294.4 (MANE Select); coding-DNA position 2345, G replaced by T.
Protein change: p.Ser782Ile; replaces serine 782 with isoleucine.
Molecular consequence: missense variant. On other transcripts: intron variant (137).
Genome position (GRCh38, 1-based): chr17:43,093,186, C>A on the plus strand (G>T on the coding strand, the complement: BRCA1 is on the minus strand). VCF-style: chr17-43093186-C-A. GRCh37 (hg19) VCF-style: chr17-41245203-C-A.
Other names: c.2345G>T, p.Ser782Ile (NM_001407859.1, NM_001407854.1, NM_001407858.1 and 30 more transcripts); c.2132G>T, p.Ser711Ile (NM_001407853.1, NM_001407571.1, NM_001407894.1 and 9 more transcripts); c.2342G>T, p.Ser781Ile (NM_001407860.1, NM_001407861.1, NM_001407587.1 and 22 more transcripts); c.2144G>T, p.Ser715Ile (NM_001407862.1); c.2222G>T, p.Ser741Ile (NM_001407863.1, NM_001407648.1, NM_001407664.1 and 19 more transcripts); c.787+1558G>T (NM_001407971.1, NM_001407981.1, NM_007298.4 and 17 more transcripts); c.790+1555G>T (NM_001408406.1); c.646+1558G>T (NM_001408456.1, NM_001408410.1, NM_001408458.1 and 11 more transcripts); and 41 more; short protein forms S782I, S735I, S614I, S671I, S694I, S779I, S781I, S486I.
Identifiers: ClinVar variation 569120 (VCV000569120.16), dbSNP rs1567796012, ClinGen allele CA10597315.

ClinVar aggregate classification (germline): Conflicting classifications of pathogenicity. Review status: criteria provided, conflicting classifications (1 of 4 stars). 3 submissions from 3 submitters: Uncertain significance (2); Likely benign (1). Last evaluated 2023-10-24.

Conditions:
Hereditary cancer-predisposing syndrome. Also called: Hereditary neoplastic syndrome; Tumor predisposition; Neoplastic Syndromes, Hereditary; Hereditary Cancer Syndrome. Identifiers: Orphanet 140162, MedGen C0027672, MeSH D009386, MONDO:0015356.
Hereditary breast ovarian cancer syndrome. Also called: Hereditary breast and ovarian cancer syndrome; Breast and ovarian cancer; Hereditary breast and ovarian cancer; Hereditary breast and/or ovarian cancer syndrome; Hereditary breast and ovarian cancer syndrome (HBOC); BRCA1- and BRCA2-Associated Hereditary Breast and Ovarian Cancer. Identifiers: Orphanet 145, MedGen C0677776, MeSH D061325, MONDO:0003582. Disease mechanism: loss of function.

Submissions (3):

Ambry Genetics
Classification: Uncertain significance for Hereditary cancer-predisposing syndrome. Last evaluated: 2023-10-24. Review status: criteria provided, single submitter. Criteria: Ambry Variant Classification Scheme 2023. Collection method: clinical testing. Allele origin: germline.
Comment: The p.S782I variant (also known as c.2345G>T), located in coding exon 9 of the BRCA1 gene, results from a G to T substitution at nucleotide position 2345. The serine at codon 782 is replaced by isoleucine, an amino acid with dissimilar properties. In one study, this alteration was not detected in 53 unselected male breast cancer patients but was detected in 1/12490 male controls of Japanese ancestry (Momozawa Y et al. Nat Commun. 2018 Oct;9:4083). This amino acid position is well conserved in available vertebrate species. This alteration is predicted to be deleterious by BayesDel in silico analysis. Since supporting evidence is limited at this time, the clinical significance of this alteration remains unclear.

University of Washington Department of Laboratory Medicine, University of Washington
Classification: Likely benign for Hereditary cancer-predisposing syndrome. Last evaluated: 2023-03-23. Review status: criteria provided, single submitter. Criteria: Dines et al. (Genet Med. 2020). Collection method: curation. Allele origin: germline.
Comment: Missense variant in a coldspot region where missense variants are very unlikely to be pathogenic (PMID:31911673).

BRCA1 coldspot (exon 11 using historical exon numbering). Reclassification based on statistical prior probability

Labcorp Genetics (formerly Invitae), Labcorp
Classification: Uncertain significance for Hereditary breast ovarian cancer syndrome. Last evaluated: 2020-04-03. Review status: criteria provided, single submitter. Criteria: Invitae Variant Classification Sherloc (09022015). Collection method: clinical testing. Allele origin: germline.
Comment: In summary, the available evidence is currently insufficient to determine the role of this variant in disease. Therefore, it has been classified as a Variant of Uncertain Significance. Algorithms developed to predict the effect of missense changes on protein structure and function are either unavailable or do not agree on the potential impact of this missense change (SIFT: "Tolerated"; PolyPhen-2: "Probably Damaging"; Align-GVGD: "Class C0"). This variant has not been reported in the literature in individuals with BRCA1-related disease, but has been reported in an unaffected control (PMID: 30287823). ClinVar contains an entry for this variant (Variation ID: 569120). This variant is not present in population databases (ExAC no frequency). This sequence change replaces serine with isoleucine at codon 782 of the BRCA1 protein (p.Ser782Ile). The serine residue is moderately conserved and there is a large physicochemical difference between serine and isoleucine.

Literature cited by the submitters: PubMed 30287823 (cited by Ambry Genetics and Labcorp Genetics (formerly Invitae), Labcorp); PubMed 31214711 (cited by Ambry Genetics).